The following is an entry in ClinVar:

NC_000012.11:g.(81064272_81066947)_(81067084_81072380)del

Gene: PTPRQ (protein tyrosine phosphatase receptor type Q; plus strand). Cytogenetic location: 12q21.31.
Variant type: Deletion.
Identifiers: ClinVar variation 4526207 (VCV004526207.1).

ClinVar aggregate classification (germline): Pathogenic (1 of 4 stars; one submission).

Conditions:
Autosomal recessive nonsyndromic hearing loss 84A. Also called: DEAFNESS, AUTOSOMAL RECESSIVE 84A; DEAFNESS, AUTOSOMAL RECESSIVE 84A, WITH VESTIBULAR DYSFUNCTION. Identifiers: Orphanet 90636, MedGen C3150654, MONDO:0013249, OMIM 613391.

Submission:

Women's Health and Genetics/Laboratory Corporation of America, LabCorp
Classification: Pathogenic for Autosomal recessive nonsyndromic hearing loss 84A. Last evaluated: 2025-07-25. Review status: criteria provided, single submitter. Criteria: LabCorp Variant Classification Summary - May 2015. Collection method: clinical testing. Allele origin: germline.
Comment: Variant summary: The variant involves the deletion of exon 45 in the PTPRQ gene. A presumed nomenclature of c.(6146+1_6147-1)_(6282+1_6283-1)del has been designated for the purposes of this classification. This Copy Number Variant (CNV) is expected to alter the reading frame and predicted to result in a truncation or absence of the encoded protein due to nonsense mediated decay (NMD). The variant was absent in 21216 control chromosomes. To our knowledge, no occurrence of c.(6146+1_6147-1)_(6282+1_6283-1)del in individuals affected with Autosomal Recessive Nonsyndromic Hearing Loss 84A and no experimental evidence demonstrating its impact on protein function have been reported. No submitters have cited clinical-significance assessments for this variant to ClinVar. Based on the evidence outlined above, the variant was classified as pathogenic.